The following is an entry in ClinVar:

ClinVar aggregate classification (germline): Uncertain significance. Review status: criteria provided, multiple submitters, no conflicts (2 of 4 stars). 3 submissions from 3 submitters: Uncertain significance (3). Last evaluated 2026-08-19.

Conditions:
Juvenile polyposis syndrome (JPS). Identifiers: Orphanet 2929, MedGen C0345893, MONDO:0017380, OMIM 174900.
Hereditary cancer-predisposing syndrome. Also called: Neoplastic Syndromes, Hereditary; Hereditary Cancer Syndrome; Tumor predisposition; Hereditary neoplastic syndrome. Identifiers: Orphanet 140162, MedGen C0027672, MeSH D009386, MONDO:0015356.

Submissions (3):

Ambry Genetics
Classification: Uncertain significance for Hereditary cancer-predisposing syndrome. Last evaluated: 2026-08-19. Review status: criteria provided, single submitter. Criteria: Ambry Variant Classification Scheme 2023. Collection method: clinical testing. Allele origin: germline.
Comment: The p.M427T variant (also known as c.1280T>C), located in coding exon 9 of the BMPR1A gene, results from a T to C substitution at nucleotide position 1280. The methionine at codon 427 is replaced by threonine, an amino acid with similar properties. This amino acid position is highly conserved in available vertebrate species. In addition, this alteration is predicted to be deleterious by in silico analysis. Based on the available evidence, the clinical significance of this variant remains unclear.

All of Us Research Program, National Institutes of Health
Classification: Uncertain significance for Juvenile polyposis syndrome. Last evaluated: 2023-09-17. Review status: criteria provided, single submitter. Criteria: ACMG Guidelines, 2015. Collection method: clinical testing. Allele origin: germline. Inheritance: Autosomal dominant inheritance. Observed: 1 variant allele, 1 heterozygote.
Comment: This missense variant replaces methionine with threonine at codon 427 of the BMPR1A protein. Computational prediction suggests that this variant may have deleterious impact on protein structure and function (internally defined REVEL score threshold >= 0.7, PMID: 27666373). To our knowledge, functional studies have not been reported for this variant. This variant has not been reported in individuals affected with BMPR1A-related disorders in the literature. This variant has not been identified in the general population by the Genome Aggregation Database (gnomAD). The available evidence is insufficient to determine the role of this variant in disease conclusively. Therefore, this variant is classified as a Variant of Uncertain Significance.

This study involves interpretation of variants in research participants for the purpose of population health screening. Participant phenotype was not available at the time of variant classification. Additional details can be found in publication PMID: 35346344, PMCID: PMC8962531

Women's Health and Genetics/Laboratory Corporation of America, LabCorp
Classification: Uncertain significance. Last evaluated: 2019-12-23. Review status: criteria provided, single submitter. Criteria: LabCorp Variant Classification Summary - May 2015. Collection method: clinical testing. Allele origin: germline.
Comment: Variant summary: BMPR1A c.1280T>C (p.Met427Thr) results in a non-conservative amino acid change located in the Serine-threonine/tyrosine-protein kinase catalytic domain (IPR001245) of the encoded protein sequence. Four of five in-silico tools predict a damaging effect of the variant on protein function. The variant was absent in 251496 control chromosomes. The available data on variant occurrences in the general population are insufficient to allow any conclusion about variant significance. To our knowledge, no occurrence of c.1280T>C in individuals affected with Juvenile Polyposis Syndrome and no experimental evidence demonstrating its impact on protein function have been reported. No clinical diagnostic laboratories have submitted clinical-significance assessments for this variant to ClinVar after 2014. Based on the evidence outlined above, the variant was classified as uncertain significance.

NM_004329.3(BMPR1A):c.1280T>C (p.Met427Thr)

Gene: BMPR1A (bone morphogenetic protein receptor type 1A; plus strand). Cytogenetic location: 10q23.2.
Variant type: single nucleotide variant.
Coding change: c.1280T>C on transcript NM_004329.3 (MANE Select); coding-DNA position 1280, T replaced by C.
Protein change: p.Met427Thr; replaces methionine 427 with threonine.
Molecular consequence: missense variant.
Genome position (GRCh38, 1-based): chr10:86,921,633, T>C. VCF-style: chr10-86921633-T-C. GRCh37 (hg19) VCF-style: chr10-88681390-T-C.
Other names: short protein forms M427T.
Identifiers: ClinVar variation 929070 (VCV000929070.4), dbSNP rs1843667096, ClinGen allele CA377462218.